The following is an entry in ClinVar:

NM_001377.3(DYNC2H1):c.7396A>G (p.Ile2466Val)

Gene: DYNC2H1 (dynein cytoplasmic 2 heavy chain 1; plus strand). Cytogenetic location: 11q22.3.
Variant type: single nucleotide variant.
Coding change: c.7396A>G on transcript NM_001377.3 (MANE Select); coding-DNA position 7396, A replaced by G.
Protein change: p.Ile2466Val; replaces isoleucine 2466 with valine.
Molecular consequence: missense variant.
Genome position (GRCh38, 1-based): chr11:103,189,775, A>G. VCF-style: chr11-103189775-A-G. GRCh37 (hg19) VCF-style: chr11-103060504-A-G.
Other names: c.7396A>G, p.Ile2466Val (NM_001080463.2); short protein forms I2466V.
Identifiers: ClinVar variation 5018011 (VCV005018011.1).

ClinVar aggregate classification (germline): Uncertain significance (1 of 4 stars; one submission).

Submission:

GeneDx
Classification: Uncertain significance. Last evaluated: 2026-04-02. Review status: criteria provided, single submitter. Criteria: GeneDx Variant Classification Process June 2021. Collection method: clinical testing. Allele origin: germline.
Comment: Not observed at significant frequency in large population cohorts (gnomAD); In silico analysis suggests that this missense variant does not alter protein structure/function; Has not been previously published as pathogenic or benign to our knowledge